The following is an entry in ClinVar:

NM_018718.3(CEP41):c.1052G>A (p.Gly351Asp)

Gene: CEP41 (centrosomal protein 41; minus strand). Cytogenetic location: 7q32.2.
Variant type: single nucleotide variant.
Coding change: c.1052G>A on transcript NM_018718.3 (MANE Select); coding-DNA position 1052, G replaced by A.
Protein change: p.Gly351Asp; replaces glycine 351 with aspartic acid.
Molecular consequence: missense variant. On other transcripts: non-coding transcript variant (1).
Genome position (GRCh38, 1-based): chr7:130,398,961, C>T on the plus strand (G>A on the coding strand, the complement: CEP41 is on the minus strand). VCF-style: chr7-130398961-C-T. GRCh37 (hg19) VCF-style: chr7-130038802-C-T.
Other names: c.836G>A, p.Gly279Asp (NM_001257158.2); c.788G>A, p.Gly263Asp (NM_001257159.2); short protein forms G263D, G351D, G279D.
Identifiers: ClinVar variation 1485108 (VCV001485108.6), dbSNP rs2117546322, ClinGen allele CA369286724.

ClinVar aggregate classification (germline): Uncertain significance (1 of 4 stars; one submission).

Conditions:
Joubert syndrome 15 (JBTS15). Identifiers: Orphanet 475, MedGen C3280897, MONDO:0013763, OMIM 614464.

Submission:

Labcorp Genetics (formerly Invitae), Labcorp
Classification: Uncertain significance for Joubert syndrome 15. Last evaluated: 2021-08-02. Review status: criteria provided, single submitter. Criteria: Invitae Variant Classification Sherloc (09022015). Collection method: clinical testing. Allele origin: germline.
Comment: In summary, the available evidence is currently insufficient to determine the role of this variant in disease. Therefore, it has been classified as a Variant of Uncertain Significance. Algorithms developed to predict the effect of sequence changes on RNA splicing suggest that this variant may create or strengthen a splice site. Algorithms developed to predict the effect of missense changes on protein structure and function are either unavailable or do not agree on the potential impact of this missense change (SIFT: "Deleterious"; PolyPhen-2: "Benign"; Align-GVGD: "Class C0"). This variant has not been reported in the literature in individuals affected with CEP41-related conditions. This variant is not present in population databases (ExAC no frequency). This sequence change replaces glycine with aspartic acid at codon 351 of the CEP41 protein (p.Gly351Asp). The glycine residue is moderately conserved and there is a moderate physicochemical difference between glycine and aspartic acid.